The following is an entry in ClinVar:

ClinVar aggregate classification (germline): Uncertain significance (1 of 4 stars; one submission).

Submission:

GeneDx
Classification: Uncertain significance. Last evaluated: 2024-02-29. Review status: criteria provided, single submitter. Criteria: GeneDx Variant Classification Process June 2021. Collection method: clinical testing. Allele origin: germline. Affected: yes.
Comment: Not observed at significant frequency in large population cohorts (gnomAD); In silico analysis supports that this missense variant does not alter protein structure/function; Has not been previously published as pathogenic or benign to our knowledge

NM_000214.3(JAG1):c.181C>T (p.Pro61Ser)

Gene: JAG1 (jagged canonical Notch ligand 1; minus strand). Cytogenetic location: 20p12.2.
Variant type: single nucleotide variant.
Coding change: c.181C>T on transcript NM_000214.3 (MANE Select); coding-DNA position 181, C replaced by T.
Protein change: p.Pro61Ser; replaces proline 61 with serine.
Molecular consequence: missense variant.
Genome position (GRCh38, 1-based): chr20:10,672,907, G>A on the plus strand (C>T on the coding strand, the complement: JAG1 is on the minus strand). VCF-style: chr20-10672907-G-A. GRCh37 (hg19) VCF-style: chr20-10653555-G-A.
Other names: short protein forms P61S.
Identifiers: ClinVar variation 3373518 (VCV003373518.1).
Genomic context (GRCh38, chr20:10,672,907, plus strand): 5'-CCTTGAGGCACACTTTGAAGTATGTGTCACACTCGTCGCGGGTGCACTTGCGGTCTCCCG[G>A]GTTCCGGGCGCCGCCGCAGCAGTTCCCGTTCTGCAGCTCCCCGTTCACGTTCTGCATGGA-3'
Protein context (NP_000205.1, residues 51-71): NGNCCGGARN[Pro61Ser]GDRKCTRDEC